The following is an entry in ClinVar:

NM_001195263.2(PDZD7):c.926G>A (p.Arg309Gln)

Gene: PDZD7 (PDZ domain containing 7; minus strand). Cytogenetic location: 10q24.31.
Variant type: single nucleotide variant.
Coding change: c.926G>A on transcript NM_001195263.2 (MANE Select); coding-DNA position 926, G replaced by A.
Protein change: p.Arg309Gln; replaces arginine 309 with glutamine.
Molecular consequence: missense variant.
Genome position (GRCh38, 1-based): chr10:101,020,620, C>T on the plus strand (G>A on the coding strand, the complement: PDZD7 is on the minus strand). VCF-style: chr10-101020620-C-T. GRCh37 (hg19) VCF-style: chr10-102780377-C-T.
Other names: c.926G>A, p.Arg309Gln (NM_001351044.2, NM_024895.5); c.926G>A (NM_001195263.1); short protein forms R309Q.
Identifiers: ClinVar variation 1008665 (VCV001008665.38), dbSNP rs528381893, ClinGen allele CA5654199.

ClinVar aggregate classification (germline): Conflicting classifications of pathogenicity. Review status: criteria provided, conflicting classifications (1 of 4 stars). 4 submissions from 4 submitters: Uncertain significance (3); Likely benign (1). Last evaluated 2026-01-01.

Conditions:
Inborn genetic diseases. Identifiers: MedGen C0950123, MeSH D030342.

Allele frequency attached by ClinVar (database versions not stated): TOPMed 0.00003.
gnomAD v4.1: 60 of 1,613,386 alleles (0.0037%); highest among the groups gnomAD compares: Admixed American, 0.015%; no homozygotes.

Submissions (4):

CeGaT Center for Human Genetics Tuebingen
Classification: Uncertain significance. Last evaluated: 2026-01-01. Review status: criteria provided, single submitter. Criteria: CeGaT Center For Human Genetics Tuebingen Variant Classification Criteria Version 2. Collection method: clinical testing. Allele origin: germline. Affected: yes. Observed: 2 variant alleles.
Comment: PDZD7: PM2, BP4

Ambry Genetics
Classification: Uncertain significance for Inborn genetic diseases. Last evaluated: 2025-04-03. Review status: criteria provided, single submitter. Criteria: Ambry Variant Classification Scheme 2023. Collection method: clinical testing. Allele origin: germline.

Blueprint Genetics
Classification: Likely benign. Last evaluated: 2022-09-27. Review status: criteria provided, single submitter. Criteria: ACMG Guidelines, 2015. Collection method: clinical testing. Allele origin: germline.

Labcorp Genetics (formerly Invitae), Labcorp
Classification: Uncertain significance. Last evaluated: 2022-08-22. Review status: criteria provided, single submitter. Criteria: Invitae Variant Classification Sherloc (09022015). Collection method: clinical testing. Allele origin: germline.
Comment: This sequence change replaces arginine, which is basic and polar, with glutamine, which is neutral and polar, at codon 309 of the PDZD7 protein (p.Arg309Gln). This variant is present in population databases (rs528381893, gnomAD 0.003%). This variant has not been reported in the literature in individuals affected with PDZD7-related conditions. ClinVar contains an entry for this variant (Variation ID: 1008665). Algorithms developed to predict the effect of missense changes on protein structure and function output the following: SIFT: "Deleterious"; PolyPhen-2: "Not Available"; Align-GVGD: "Class C0". The glutamine amino acid residue is found in multiple mammalian species, which suggests that this missense change does not adversely affect protein function. In summary, the available evidence is currently insufficient to determine the role of this variant in disease. Therefore, it has been classified as a Variant of Uncertain Significance.